The following is an entry in ClinVar:

NM_001330260.2(SCN8A):c.1351A>G (p.Met451Val)

Gene: SCN8A (sodium voltage-gated channel alpha subunit 8; plus strand). Cytogenetic location: 12q13.13.
Variant type: single nucleotide variant.
Coding change: c.1351A>G on transcript NM_001330260.2 (MANE Select); coding-DNA position 1351, A replaced by G.
Protein change: p.Met451Val; replaces methionine 451 with valine.
Molecular consequence: missense variant.
Genome position (GRCh38, 1-based): chr12:51,706,431, A>G. VCF-style: chr12-51706431-A-G. GRCh37 (hg19) VCF-style: chr12-52100215-A-G.
Other names: c.1351A>G, p.Met451Val (NM_001177984.3, NM_001369788.1, NM_014191.4); short protein forms M451V.
Identifiers: ClinVar variation 1317245 (VCV001317245.3), dbSNP rs961308028, ClinGen allele CA236263995.

ClinVar aggregate classification (germline): Uncertain significance (1 of 4 stars; one submission).

Allele frequency attached by ClinVar (database versions not stated): gnomAD exomes below 0.00001; gnomAD 0.00001; TOPMed 0.00001.
gnomAD v4.1: 3 of 1,585,418 alleles (0.00019%); highest among the groups gnomAD compares: African/African-American, 0.0027%; no homozygotes.

Submission:

GeneDx
Classification: Uncertain significance. Last evaluated: 2024-01-03. Review status: criteria provided, single submitter. Criteria: GeneDx Variant Classification Process June 2021. Collection method: clinical testing. Allele origin: germline. Affected: yes.
Comment: Not observed at significant frequency in large population cohorts (gnomAD); Missense variants in this gene are a common cause of disease and they are underrepresented in the general population; In silico analysis supports that this missense variant does not alter protein structure/function; Has not been previously published as pathogenic or benign to our knowledge; This substitution is predicted to be in the cytoplasmic loop between the first and second homologous domains